The following is an entry in ClinVar:

NM_005431.2(XRCC2):c.56A>G (p.Glu19Gly)

Gene: XRCC2 (X-ray repair cross complementing 2; minus strand). Cytogenetic location: 7q36.1.
Variant type: single nucleotide variant.
Coding change: c.56A>G on transcript NM_005431.2 (MANE Select); coding-DNA position 56, A replaced by G.
Protein change: p.Glu19Gly; replaces glutamic acid 19 with glycine.
Molecular consequence: missense variant.
Genome position (GRCh38, 1-based): chr7:152,660,766, T>C on the plus strand (A>G on the coding strand, the complement: XRCC2 is on the minus strand). VCF-style: chr7-152660766-T-C. GRCh37 (hg19) VCF-style: chr7-152357851-T-C.
Other names: short protein forms E19G.
Identifiers: ClinVar variation 5032096 (VCV005032096.1).

ClinVar aggregate classification (germline): Uncertain significance (1 of 4 stars; one submission).

Conditions:
Hereditary cancer-predisposing syndrome. Also called: Neoplastic Syndromes, Hereditary; Tumor predisposition; Hereditary neoplastic syndrome; Hereditary Cancer Syndrome. Identifiers: Orphanet 140162, MedGen C0027672, MeSH D009386, MONDO:0015356.

gnomAD v4.1: 1 of 1,613,166 alleles (0.000062%); highest among the groups gnomAD compares: Admixed American, 0.0017%; no homozygotes.

Submission:

Ambry Genetics
Classification: Uncertain significance for Hereditary cancer-predisposing syndrome. Last evaluated: 2026-09-12. Review status: criteria provided, single submitter. Criteria: Ambry Variant Classification Scheme 2023. Collection method: clinical testing. Allele origin: germline.
Comment: The p.E19G variant (also known as c.56A>G), located in coding exon 2 of the XRCC2 gene, results from an A to G substitution at nucleotide position 56. The glutamic acid at codon 19 is replaced by glycine, an amino acid with similar properties. This amino acid position is conserved. In addition, the in silico prediction for this alteration is inconclusive. Based on the available evidence, the clinical significance of this variant remains unclear.